The following is an entry in ClinVar:

NM_032119.4(ADGRV1):c.15078T>C (p.His5026=)

Gene: ADGRV1 (adhesion G protein-coupled receptor V1; plus strand). Cytogenetic location: 5q14.3.
Variant type: single nucleotide variant.
Coding change: c.15078T>C on transcript NM_032119.4 (MANE Select); coding-DNA position 15078, T replaced by C.
Protein change: p.His5026=; no amino-acid change (histidine 5026 retained).
Molecular consequence: synonymous variant. On other transcripts: non-coding transcript variant (1).
Genome position (GRCh38, 1-based): chr5:90,810,338, T>C. VCF-style: chr5-90810338-T-C. GRCh37 (hg19) VCF-style: chr5-90106155-T-C.
Identifiers: ClinVar variation 738139 (VCV000738139.10), dbSNP rs371632998, ClinGen allele CA3341867.

ClinVar aggregate classification (germline): Likely benign. Review status: criteria provided, multiple submitters, no conflicts (2 of 4 stars). 3 submissions from 3 submitters: Likely benign (3). Last evaluated 2026-01-15.

Conditions:
ADGRV1-related disorder. Also called: ADGRV1-related condition; ADGRV1-related disorders.

Allele frequency attached by ClinVar (database versions not stated): gnomAD exomes 0.00002; ExAC 0.00003; gnomAD 0.00005 and 0.00006; TOPMed 0.00005; ESP Exome Variant Server 0.00008.
gnomAD v4.1: 180 of 1,612,984 alleles (0.011%); highest among the groups gnomAD compares: Non-Finnish European, 0.015%; 1 homozygote.

Submissions (3):

Labcorp Genetics (formerly Invitae), Labcorp
Classification: Likely benign. Last evaluated: 2026-01-15. Review status: criteria provided, single submitter. Criteria: Invitae Variant Classification Sherloc (09022015). Collection method: clinical testing. Allele origin: germline.

PreventionGenetics, part of Exact Sciences
Classification: Likely benign for ADGRV1-related condition. Last evaluated: 2025-02-17. Review status: criteria provided, single submitter. Criteria: ACMG Guidelines, 2015. Collection method: clinical testing. Allele origin: germline.
Comment: This variant is classified as likely benign based on ACMG/AMP sequence variant interpretation guidelines (Richards et al. 2015 PMID: 25741868, with internal and published modifications).

Blueprint Genetics
Classification: Likely benign. Last evaluated: 2022-04-07. Review status: criteria provided, single submitter. Criteria: ACMG Guidelines, 2015. Collection method: clinical testing. Allele origin: germline.